The following is an entry in ClinVar:

ClinVar aggregate classification (germline): Uncertain significance (1 of 4 stars; one submission).

Conditions:
Ataxia-telangiectasia syndrome (AT). Also called: LOUIS-BAR SYNDROME; Cerebello-oculocutaneous telangiectasia; Immunodeficiency with ataxia telangiectasia; ATAXIA-TELANGIECTASIA, COMPLEMENTATION GROUP A; ATAXIA-TELANGIECTASIA, FRESNO VARIANT; Ataxia-telangiectasia, complementation group D. Identifiers: Orphanet 100, MedGen C0004135, MONDO:0008840, OMIM 208900.

Submission:

Labcorp Genetics (formerly Invitae), Labcorp
Classification: Uncertain significance for Ataxia-telangiectasia syndrome. Last evaluated: 2024-06-02. Review status: criteria provided, single submitter. Criteria: Invitae Variant Classification Sherloc (09022015). Collection method: clinical testing. Allele origin: germline.
Comment: This sequence change replaces methionine, which is neutral and non-polar, with lysine, which is basic and polar, at codon 349 of the ATM protein (p.Met349Lys). This variant is not present in population databases (gnomAD no frequency). This variant has not been reported in the literature in individuals affected with ATM-related conditions. An algorithm developed to predict the effect of missense changes on protein structure and function (PolyPhen-2) suggests that this variant is likely to be tolerated. In summary, the available evidence is currently insufficient to determine the role of this variant in disease. Therefore, it has been classified as a Variant of Uncertain Significance.

NM_000051.4(ATM):c.1046T>A (p.Met349Lys)

Gene: ATM (ATM serine/threonine kinase; plus strand). Cytogenetic location: 11q22.3.
Variant type: single nucleotide variant.
Coding change: c.1046T>A on transcript NM_000051.4 (MANE Select); coding-DNA position 1046, T replaced by A.
Protein change: p.Met349Lys; replaces methionine 349 with lysine.
Molecular consequence: missense variant.
Genome position (GRCh38, 1-based): chr11:108,247,108, T>A. VCF-style: chr11-108247108-T-A. GRCh37 (hg19) VCF-style: chr11-108117835-T-A.
Other names: c.1046T>A, p.Met349Lys (NM_001351834.2); short protein forms M349K.
Identifiers: ClinVar variation 3655267 (VCV003655267.2).